The following is an entry in ClinVar:

ClinVar aggregate classification (germline): Conflicting classifications of pathogenicity. Review status: criteria provided, conflicting classifications (1 of 4 stars). 3 submissions from 3 submitters: Uncertain significance (2); Benign (1). Last evaluated 2025-03-03.

Conditions:
Intellectual developmental disorder with microcephaly and with or without ocular malformations or hypogonadotropic hypogonadism. Also called: Coffin-Siris Syndrome 9; Intellectual disability, autosomal dominant 27. Identifiers: Orphanet 1465, MedGen C4014528, MONDO:0014376, OMIM 615866.
Inborn genetic diseases. Identifiers: MedGen C0950123, MeSH D030342.

Allele frequency attached by ClinVar (database versions not stated): TOPMed 0.00002; gnomAD exomes 0.00001; gnomAD 0.00002.

Submissions (3):

Labcorp Genetics (formerly Invitae), Labcorp
Classification: Benign. Last evaluated: 2025-03-03. Review status: criteria provided, single submitter. Criteria: Invitae Variant Classification Sherloc (09022015). Collection method: clinical testing. Allele origin: germline.

Ambry Genetics
Classification: Uncertain significance for Inborn genetic diseases. Last evaluated: 2024-07-02. Review status: criteria provided, single submitter. Criteria: Ambry Variant Classification Scheme 2023. Collection method: clinical testing. Allele origin: germline.

New York Genome Center
Classification: Uncertain significance for Intellectual developmental disorder with microcephaly and with or without ocular malformations or hypogonadotropic hypogonadism. Last evaluated: 2020-05-26. Review status: criteria provided, single submitter. Criteria: NYGC Assertion Criteria 2020. Collection method: clinical testing. Allele origin: germline. Inheritance: Autosomal dominant inheritance. Observed: 1 heterozygote. Study: CSER-NYCKidSeq.
Comment: This variant is found with low frequency in gnomAD(v3.0) (3 heterozygotes, 0 homozygotes; allele frequency: 2.11e-5) suggesting it is not a common benign variant in the populations represented in this database. In silico algorithms predict this variant to be Neutral (Provean; score:-0.48) and Tolerated (SIFT; score:0.401) to the function of the canonical transcript. The p.Ala180 residue is not within a mapped domain of SOX11 (UniProtKB: P35716). Given the lack of compelling evidence for its pathogenicity, the c.538G>A (p.Ala180Thr) variant identified in the SOX11 gene is reported here as a Variant of Uncertain Significance.

NM_003108.4(SOX11):c.538G>A (p.Ala180Thr)

Gene: SOX11 (SRY-box transcription factor 11; plus strand). Cytogenetic location: 2p25.2.
Variant type: single nucleotide variant.
Coding change: c.538G>A on transcript NM_003108.4 (MANE Select); coding-DNA position 538, G replaced by A.
Protein change: p.Ala180Thr; replaces alanine 180 with threonine.
Molecular consequence: missense variant.
Genome position (GRCh38, 1-based): chr2:5,693,259, G>A. VCF-style: chr2-5693259-G-A. GRCh37 (hg19) VCF-style: chr2-5833391-G-A.
Other names: c.538G>A (NM_003108.3); short protein forms A180T.
Identifiers: ClinVar variation 996986 (VCV000996986.4), dbSNP rs1297634063, ClinGen allele CA345866923.